The following is an entry in ClinVar:

NM_006268.5(DPF2):c.283T>G (p.Phe95Val)

Gene: DPF2 (double PHD fingers 2; plus strand). Cytogenetic location: 11q13.1.
Variant type: single nucleotide variant.
Coding change: c.283T>G on transcript NM_006268.5 (MANE Select); coding-DNA position 283, T replaced by G.
Protein change: p.Phe95Val; replaces phenylalanine 95 with valine.
Molecular consequence: missense variant.
Genome position (GRCh38, 1-based): chr11:65,341,055, T>G. VCF-style: chr11-65341055-T-G. GRCh37 (hg19) VCF-style: chr11-65108526-T-G.
Other names: c.283T>G, p.Phe95Val (NM_001330308.2); short protein forms F95V.
Identifiers: ClinVar variation 3716883 (VCV003716883.2).

ClinVar aggregate classification (germline): Uncertain significance (1 of 4 stars; one submission).

gnomAD v4.1: 7 of 1,614,096 alleles (0.00043%); highest among the groups gnomAD compares: East Asian, 0.016%; no homozygotes.

Submission:

Labcorp Genetics (formerly Invitae), Labcorp
Classification: Uncertain significance. Last evaluated: 2024-10-21. Review status: criteria provided, single submitter. Criteria: Invitae Variant Classification Sherloc (09022015). Collection method: clinical testing. Allele origin: germline.
Comment: This sequence change replaces phenylalanine, which is neutral and non-polar, with valine, which is neutral and non-polar, at codon 95 of the DPF2 protein (p.Phe95Val). This variant is present in population databases (no rsID available, gnomAD 0.006%). This variant has not been reported in the literature in individuals affected with DPF2-related conditions. An algorithm developed to predict the effect of missense changes on protein structure and function (PolyPhen-2) suggests that this variant is likely to be tolerated. In summary, the available evidence is currently insufficient to determine the role of this variant in disease. Therefore, it has been classified as a Variant of Uncertain Significance.